The following is an entry in ClinVar:

ClinVar aggregate classification (germline): Uncertain significance (1 of 4 stars; one submission).

Allele frequency attached by ClinVar (database versions not stated): gnomAD exomes below 0.00001.
gnomAD v4.1: 3 of 1,614,002 alleles (0.00019%); highest among the groups gnomAD compares: Non-Finnish European, 0.00025%; no homozygotes.

Submission:

Labcorp Genetics (formerly Invitae), Labcorp
Classification: Uncertain significance. Last evaluated: 2021-04-02. Review status: criteria provided, single submitter. Criteria: Invitae Variant Classification Sherloc (09022015). Collection method: clinical testing. Allele origin: germline.
Comment: In summary, the available evidence is currently insufficient to determine the role of this variant in disease. Therefore, it has been classified as a Variant of Uncertain Significance. Algorithms developed to predict the effect of missense changes on protein structure and function are either unavailable or do not agree on the potential impact of this missense change (SIFT: "Deleterious"; PolyPhen-2: "Probably Damaging"; Align-GVGD: "Class C0"). This variant has not been reported in the literature in individuals with TUBGCP6-related conditions. This variant is not present in population databases (ExAC no frequency). This sequence change replaces phenylalanine with tyrosine at codon 133 of the TUBGCP6 protein (p.Phe133Tyr). The phenylalanine residue is moderately conserved and there is a small physicochemical difference between phenylalanine and tyrosine.

NM_020461.4(TUBGCP6):c.398T>A (p.Phe133Tyr)

Gene: TUBGCP6 (tubulin gamma complex component 6; minus strand). Cytogenetic location: 22q13.33.
Variant type: single nucleotide variant.
Coding change: c.398T>A on transcript NM_020461.4 (MANE Select); coding-DNA position 398, T replaced by A.
Protein change: p.Phe133Tyr; replaces phenylalanine 133 with tyrosine.
Molecular consequence: missense variant.
Genome position (GRCh38, 1-based): chr22:50,244,062, A>T on the plus strand (T>A on the coding strand, the complement: TUBGCP6 is on the minus strand). VCF-style: chr22-50244062-A-T. GRCh37 (hg19) VCF-style: chr22-50682491-A-T.
Other names: short protein forms F133Y.
Identifiers: ClinVar variation 1014396 (VCV001014396.8), dbSNP rs2064884741, ClinGen allele CA412115509.
Genomic context (GRCh38, chr22:50,244,062, plus strand): 5'-AGGTCGTCGCAATCATAGCCGCTGTACGGAACGTTTCTCCCCACATGCTTGTTGTTAAGG[A>T]AGTAGTCTCGTTTTCTCGGCAGAACTTGAGGGGGACCACTCCCTGCCAGCTGAACCAGGA-3'
Protein context (NP_065194.3, residues 123-143): PQVLPRKRDY[Phe133Tyr]LNNKHVGRNV